The following is an entry in ClinVar:

ClinVar aggregate classification (germline): Uncertain significance. Review status: criteria provided, multiple submitters, no conflicts (2 of 4 stars). 5 submissions from 4 submitters: Uncertain significance (5). Last evaluated 2023-01-10.

Conditions:
Retinitis pigmentosa (RP). Identifiers: Orphanet 791, MedGen C0035334, MeSH D012174, MONDO:0019200, OMIM 268000. Inheritance: Autosomal dominant, autosomal recessive and X linked inheritance.
Inborn genetic diseases. Identifiers: MedGen C0950123, MeSH D030342.
Leber congenital amaurosis 3 (LCA3). Also called: SPATA7-Related Retinitis Pigmentosa. Identifiers: MedGen C1858677, MONDO:0011415, OMIM 604232.

Allele frequency attached by ClinVar (database versions not stated): gnomAD exomes below 0.00001; ExAC 0.00001; TOPMed 0.00003.
gnomAD v4.1: 2 of 1,609,214 alleles (0.00012%); highest among the groups gnomAD compares: Non-Finnish European, 0.00017%; no homozygotes.

Submissions (5):

Ambry Genetics
Classification: Uncertain significance for Inborn genetic diseases. Last evaluated: 2023-01-10. Review status: criteria provided, single submitter. Criteria: Ambry Variant Classification Scheme 2023. Collection method: clinical testing. Allele origin: germline.

Labcorp Genetics (formerly Invitae), Labcorp
Classification: Uncertain significance for Leber congenital amaurosis 3. Last evaluated: 2022-08-22. Review status: criteria provided, single submitter. Criteria: Invitae Variant Classification Sherloc (09022015). Collection method: clinical testing. Allele origin: germline.
Comment: In summary, the available evidence is currently insufficient to determine the role of this variant in disease. Therefore, it has been classified as a Variant of Uncertain Significance. Algorithms developed to predict the effect of missense changes on protein structure and function are either unavailable or do not agree on the potential impact of this missense change (SIFT: "Deleterious"; PolyPhen-2: "Probably Damaging"; Align-GVGD: "Class C0"). ClinVar contains an entry for this variant (Variation ID: 884798). This variant has not been reported in the literature in individuals affected with SPATA7-related conditions. The frequency data for this variant in the population databases is considered unreliable, as metrics indicate poor data quality at this position in the gnomAD database. This sequence change replaces glycine, which is neutral and non-polar, with cysteine, which is neutral and slightly polar, at codon 382 of the SPATA7 protein (p.Gly382Cys).

Blueprint Genetics
Classification: Uncertain significance. Last evaluated: 2019-05-15. Review status: criteria provided, single submitter. Criteria: ACMG Guidelines, 2015. Collection method: clinical testing. Allele origin: germline.

Illumina Laboratory Services, Illumina
Classification: Uncertain significance for Leber congenital amaurosis 3. Last evaluated: 2018-01-12. Review status: criteria provided, single submitter. Criteria: ICSL Variant Classification Criteria 13 December 2019. Collection method: clinical testing. Allele origin: germline.

Illumina Laboratory Services, Illumina
Classification: Uncertain significance for Retinitis pigmentosa. Last evaluated: 2018-01-12. Review status: criteria provided, single submitter. Criteria: ICSL Variant Classification Criteria 13 December 2019. Collection method: clinical testing. Allele origin: germline.

NM_018418.5(SPATA7):c.1144G>T (p.Gly382Cys)

Gene: SPATA7 (spermatogenesis associated 7; plus strand). Cytogenetic location: 14q31.3.
Variant type: single nucleotide variant.
Coding change: c.1144G>T on transcript NM_018418.5 (MANE Select); coding-DNA position 1144, G replaced by T.
Protein change: p.Gly382Cys; replaces glycine 382 with cysteine.
Molecular consequence: missense variant.
Genome position (GRCh38, 1-based): chr14:88,433,196, G>T. VCF-style: chr14-88433196-G-T. GRCh37 (hg19) VCF-style: chr14-88899540-G-T.
Other names: c.1048G>T, p.Gly350Cys (NM_001040428.4); short protein forms G382C, G350C.
Identifiers: ClinVar variation 884798 (VCV000884798.11), dbSNP rs776604824, ClinGen allele CA7298736.